The following is an entry in ClinVar:

ClinVar aggregate classification (germline): Conflicting classifications of pathogenicity. Review status: criteria provided, conflicting classifications (1 of 4 stars). 7 submissions from 7 submitters: Uncertain significance (6); Likely benign (1). Last evaluated 2025-12-14.

Conditions:
Mandibular hypoplasia-deafness-progeroid syndrome. Also called: Mandibular hypoplasia, deafness, progeroid features, and lipodystrophy syndrome. Identifiers: Orphanet 363649, MedGen C3715192, MONDO:0014157, OMIM 615381.
Immunodeficiency 120. Identifiers: MedGen C5935622, MONDO:0970994, OMIM 620836.
POLD1-related polyposis and colorectal cancer syndrome (CRCS10). Also called: Colorectal cancer 10; COLORECTAL CANCER, SUSCEPTIBILITY TO, ON CHROMOSOME 19q; Colorectal cancer, susceptibility to, 10. Identifiers: Orphanet 220460, MedGen C2675481, MONDO:0012953, OMIM 612591.
POLD1-related disorder. Also called: POLD1-related condition; POLD1-related disorders.
Hereditary cancer-predisposing syndrome. Also called: Neoplastic Syndromes, Hereditary; Hereditary neoplastic syndrome; Tumor predisposition; Hereditary Cancer Syndrome. Identifiers: Orphanet 140162, MedGen C0027672, MeSH D009386, MONDO:0015356.

Allele frequency attached by ClinVar (database versions not stated): TOPMed 0.00003; ESP Exome Variant Server 0.00008.
gnomAD v4.1: 40 of 1,614,034 alleles (0.0025%); highest among the groups gnomAD compares: Admixed American, 0.018%; 1 homozygote.

Submissions (7):

Labcorp Genetics (formerly Invitae), Labcorp
Classification: Uncertain significance for POLD1-related polyposis and colorectal cancer syndrome. Last evaluated: 2025-12-14. Review status: criteria provided, single submitter. Criteria: Invitae Variant Classification Sherloc (09022015). Collection method: clinical testing. Allele origin: germline.
Comment: This sequence change replaces glycine, which is neutral and non-polar, with arginine, which is basic and polar, at codon 178 of the POLD1 protein (p.Gly178Arg). This variant is present in population databases (rs140707092, gnomAD 0.02%). This variant has not been reported in the literature in individuals affected with POLD1-related conditions. ClinVar contains an entry for this variant (Variation ID: 420703). An algorithm developed to predict the effect of missense changes on protein structure and function (PolyPhen-2) suggests that this variant is likely to be disruptive. In summary, the available evidence is currently insufficient to determine the role of this variant in disease. Therefore, it has been classified as a Variant of Uncertain Significance.

PreventionGenetics, part of Exact Sciences
Classification: Uncertain significance for POLD1-related condition. Last evaluated: 2025-06-18. Review status: criteria provided, single submitter. Criteria: ACMG Guidelines, 2015. Collection method: clinical testing. Allele origin: germline.
Comment: The POLD1 c.532G>C variant is predicted to result in the amino acid substitution p.Gly178Arg. This variant has been reported in three related individuals, two of which had bladder cancer (Wang et al. 2021. PubMed ID: 32265515), and has also been reported in an individual with unspecified cancer who had a family history of breast, ovarian, gastrointestinal, and brain cancers (Patient 1410 in Table S4, Bhai et al. 2021. PubMed ID: 34326862). This variant has also been reported in tumor specimens (Table S2, Campbell et al. 2017. PubMed ID: 29056344). This variant is reported in 0.020% of alleles in individuals of Latino descent in gnomAD and has conflicting interpretations regarding its pathogenicity in ClinVar, ranging from uncertain to likely benign. At this time, the clinical significance of this variant is uncertain due to the absence of conclusive functional and genetic evidence.

Mayo Clinic Laboratories, Mayo Clinic
Classification: Uncertain significance. Last evaluated: 2025-05-11. Review status: criteria provided, single submitter. Criteria: ACMG Guidelines, 2015. Collection method: clinical testing. Allele origin: germline. Observed: 1 variant allele.
Comment: BP4

GeneDx
Classification: Uncertain significance. Last evaluated: 2025-04-14. Review status: criteria provided, single submitter. Criteria: GeneDx Variant Classification Process June 2021. Collection method: clinical testing. Allele origin: germline. Affected: yes.
Comment: In silico analysis indicates that this missense variant does not alter protein structure/function; This variant is associated with the following publications: (PMID: 29056344, 35780178, 37105989, 32265515, 34326862)

Ambry Genetics
Classification: Likely benign for Hereditary cancer-predisposing syndrome. Last evaluated: 2024-08-29. Review status: criteria provided, single submitter. Criteria: Ambry Variant Classification Scheme 2023. Collection method: clinical testing. Allele origin: germline.

Fulgent Genetics
Classification: Uncertain significance for POLD1-related polyposis and colorectal cancer syndrome; Mandibular hypoplasia-deafness-progeroid syndrome; Immunodeficiency 120. Last evaluated: 2024-01-11. Review status: criteria provided, single submitter. Criteria: ACMG Guidelines, 2015. Collection method: clinical testing. Allele origin: germline.

Quest Diagnostics Nichols Institute San Juan Capistrano
Classification: Uncertain significance. Last evaluated: 2019-10-23. Review status: criteria provided, single submitter. Criteria: Quest Diagnostics criteria. Collection method: clinical testing. Allele origin: unknown.

NM_002691.4(POLD1):c.532G>C (p.Gly178Arg)

Gene: POLD1 (DNA polymerase delta 1, catalytic subunit; plus strand). Cytogenetic location: 19q13.33.
Variant type: single nucleotide variant.
Coding change: c.532G>C on transcript NM_002691.4 (MANE Select); coding-DNA position 532, G replaced by C.
Protein change: p.Gly178Arg; replaces glycine 178 with arginine.
Molecular consequence: missense variant. On other transcripts: non-coding transcript variant (1).
Genome position (GRCh38, 1-based): chr19:50,402,067, G>C. VCF-style: chr19-50402067-G-C. GRCh37 (hg19) VCF-style: chr19-50905324-G-C.
Other names: p.Gly178Arg; c.532G>C, p.Gly178Arg (NM_001256849.1, NM_001308632.1); c.532G>C (NM_002691.2); short protein forms G178R.
Identifiers: ClinVar variation 420703 (VCV000420703.23), dbSNP rs140707092, ClinGen allele CA9595780.
Genomic context (GRCh38, chr19:50,402,067, plus strand): 5'-CCCGAGCACATGGGTGACCTGCAACGGGAGCTGAACTTGGCCATCAGCCGGGACAGTCGC[G>C]GGGGGAGGGAGCTGACTGGGCCGGCCGTGCTGGCTGTGGAACTGTGCTCCCGAGAGAGTG-3'
Protein context (NP_002682.2, residues 168-188): LNLAISRDSR[Gly178Arg]GRELTGPAVL